The following is an entry in ClinVar:

ClinVar aggregate classification (germline): Likely benign (1 of 4 stars; one submission).

Allele frequency attached by ClinVar (database versions not stated): 1000 Genomes Project 30x 0.00094; 1000 Genomes Project 0.00100; TOPMed 0.00322; gnomAD 0.00344; ExAC 0.00447; ESP Exome Variant Server 0.00477.
gnomAD v4.1: 7,281 of 1,614,136 alleles (0.45%); highest among the groups gnomAD compares: Non-Finnish European, 0.56%; 19 homozygotes.

Submission:

CeGaT Center for Human Genetics Tuebingen
Classification: Likely benign. Last evaluated: 2023-03-01. Review status: criteria provided, single submitter. Criteria: CeGaT Center For Human Genetics Tuebingen Variant Classification Criteria Version 2. Collection method: clinical testing. Allele origin: germline. Affected: yes. Observed: 3 variant alleles.
Comment: ZNF646: BP4, BP7

NM_014699.4(ZNF646):c.5115G>A (p.Pro1705=)

Gene: ZNF646 (zinc finger protein 646; plus strand). Cytogenetic location: 16p11.2.
Variant type: single nucleotide variant.
Coding change: c.5115G>A on transcript NM_014699.4 (MANE Select); coding-DNA position 5115, G replaced by A.
Protein change: p.Pro1705=; no amino-acid change (proline 1705 retained).
Molecular consequence: synonymous variant.
Genome position (GRCh38, 1-based): chr16:31,081,439, G>A. VCF-style: chr16-31081439-G-A. GRCh37 (hg19) VCF-style: chr16-31092760-G-A.
Identifiers: ClinVar variation 2646466 (VCV002646466.24), dbSNP rs146321958, ClinGen allele CA8020400.